The following is an entry in ClinVar:

ClinVar aggregate classification (germline): Uncertain significance. Review status: criteria provided, multiple submitters, no conflicts (2 of 4 stars). 3 submissions from 3 submitters: Uncertain significance (3). Last evaluated 2025-03-25.

Conditions:
Distal myopathy with posterior leg and anterior hand involvement. Also called: WILLIAMS DISTAL MYOPATHY. Identifiers: Orphanet 63273, MedGen C3279722, MONDO:0013550, OMIM 614065.
Myofibrillar myopathy 5. Also called: Filaminopathy (type); FILAMINOPATHY, AUTOSOMAL DOMINANT. Identifiers: Orphanet 171445, MedGen C1836050, MONDO:0012289, OMIM 609524.
Hypertrophic cardiomyopathy 26. Also called: Cardiomyopathy, familial hypertrophic, 26. Identifiers: Orphanet 75249, MedGen C4310749, MONDO:0014883, OMIM 617047.
Cardiovascular phenotype. Identifiers: MedGen CN230736.

Allele frequency attached by ClinVar (database versions not stated): gnomAD exomes below 0.00001; TOPMed below 0.00001.
gnomAD v4.1: 3 of 1,608,912 alleles (0.00019%); highest among the groups gnomAD compares: Non-Finnish European, 0.00025%; no homozygotes.

Submissions (3):

Ambry Genetics
Classification: Uncertain significance for Cardiovascular phenotype. Last evaluated: 2025-03-25. Review status: criteria provided, single submitter. Criteria: Ambry Variant Classification Scheme 2023. Collection method: clinical testing. Allele origin: germline.
Comment: The p.A305V variant (also known as c.914C>T), located in coding exon 5 of the FLNC gene, results from a C to T substitution at nucleotide position 914. The alanine at codon 305 is replaced by valine, an amino acid with similar properties. This amino acid position is conserved. In addition, this alteration is predicted to be deleterious by in silico analysis. Based on the available evidence, the clinical significance of this variant remains unclear.

Labcorp Genetics (formerly Invitae), Labcorp
Classification: Uncertain significance for Distal myopathy with posterior leg and anterior hand involvement; Myofibrillar myopathy 5; Hypertrophic cardiomyopathy 26. Last evaluated: 2024-11-08. Review status: criteria provided, single submitter. Criteria: Invitae Variant Classification Sherloc (09022015). Collection method: clinical testing. Allele origin: germline.
Comment: This sequence change replaces alanine, which is neutral and non-polar, with valine, which is neutral and non-polar, at codon 305 of the FLNC protein (p.Ala305Val). This variant is not present in population databases (gnomAD no frequency). This variant has not been reported in the literature in individuals affected with FLNC-related conditions. ClinVar contains an entry for this variant (Variation ID: 2251057). Invitae Evidence Modeling of protein sequence and biophysical properties (such as structural, functional, and spatial information, amino acid conservation, physicochemical variation, residue mobility, and thermodynamic stability) has been performed for this missense variant. However, the output from this modeling did not meet the statistical confidence thresholds required to predict the impact of this variant on FLNC protein function. In summary, the available evidence is currently insufficient to determine the role of this variant in disease. Therefore, it has been classified as a Variant of Uncertain Significance.

Mayo Clinic Laboratories, Mayo Clinic
Classification: Uncertain significance. Last evaluated: 2023-02-21. Review status: criteria provided, single submitter. Criteria: ACMG Guidelines, 2015. Collection method: clinical testing. Allele origin: germline. Observed: 1 variant allele.
Comment: PM2_supporting

NM_001458.5(FLNC):c.914C>T (p.Ala305Val)

Gene: FLNC (filamin C; plus strand). Cytogenetic location: 7q32.1.
Variant type: single nucleotide variant.
Coding change: c.914C>T on transcript NM_001458.5 (MANE Select); coding-DNA position 914, C replaced by T.
Protein change: p.Ala305Val; replaces alanine 305 with valine.
Molecular consequence: missense variant.
Genome position (GRCh38, 1-based): chr7:128,837,700, C>T. VCF-style: chr7-128837700-C-T. GRCh37 (hg19) VCF-style: chr7-128477754-C-T.
Other names: p.Ala305Val; c.914C>T, p.Ala305Val (NM_001127487.2); short protein forms A305V.
Identifiers: ClinVar variation 2251057 (VCV002251057.7), dbSNP rs966097091, ClinGen allele CA166214509.